The following is an entry in ClinVar:

NM_000256.3(MYBPC3):c.2938C>G (p.Arg980Gly)

Gene: MYBPC3 (myosin binding protein C3; minus strand). Cytogenetic location: 11p11.2.
Variant type: single nucleotide variant.
Coding change: c.2938C>G on transcript NM_000256.3 (MANE Select); coding-DNA position 2938, C replaced by G.
Protein change: p.Arg980Gly; replaces arginine 980 with glycine.
Molecular consequence: missense variant.
Genome position (GRCh38, 1-based): chr11:47,333,978, G>C on the plus strand (C>G on the coding strand, the complement: MYBPC3 is on the minus strand). VCF-style: chr11-47333978-G-C. GRCh37 (hg19) VCF-style: chr11-47355529-G-C.
Other names: c.2938C>G, p.Arg980Gly (LRG_386t1); short protein forms R980G.
Identifiers: ClinVar variation 525036 (VCV000525036.11), dbSNP rs397515994, ClinGen allele CA380315952.

ClinVar aggregate classification (germline): Uncertain significance. Review status: criteria provided, multiple submitters, no conflicts (2 of 4 stars). 3 submissions from 3 submitters: Uncertain significance (3). Last evaluated 2025-12-19.

Conditions:
Cardiovascular phenotype. Identifiers: MedGen CN230736.
Cardiomyopathy (CMYO). Also called: Cardiomyopathies. Identifiers: Orphanet 167848, MedGen C0878544, MONDO:0004994, HP:0001638. Inheritance: Various modes of inheritance.
Hypertrophic cardiomyopathy. Also called: HYPERTROPHIC MYOCARDIOPATHY. Identifiers: Orphanet 217569, MedGen C0007194, MeSH D002312, MONDO:0005045, HP:0001639.

gnomAD v4.1: 1 of 1,585,198 alleles (0.000063%); highest among the groups gnomAD compares: Non-Finnish European, 0.000086%; no homozygotes.

Submissions (3):

Labcorp Genetics (formerly Invitae), Labcorp
Classification: Uncertain significance for Hypertrophic cardiomyopathy. Last evaluated: 2025-12-19. Review status: criteria provided, single submitter. Criteria: Invitae Variant Classification Sherloc (09022015). Collection method: clinical testing. Allele origin: germline.
Comment: This sequence change replaces arginine, which is basic and polar, with glycine, which is neutral and non-polar, at codon 980 of the MYBPC3 protein (p.Arg980Gly). This variant is not present in population databases (gnomAD no frequency). This variant has not been reported in the literature in individuals affected with MYBPC3-related conditions. ClinVar contains an entry for this variant (Variation ID: 525036). An algorithm developed to predict the effect of missense changes on protein structure and function (PolyPhen-2) suggests that this variant is likely to be disruptive. In summary, the available evidence is currently insufficient to determine the role of this variant in disease. Therefore, it has been classified as a Variant of Uncertain Significance.

Ambry Genetics
Classification: Uncertain significance for Cardiovascular phenotype. Last evaluated: 2022-07-06. Review status: criteria provided, single submitter. Criteria: Ambry Variant Classification Scheme 2023. Collection method: clinical testing. Allele origin: germline.
Comment: The p.R980G variant (also known as c.2938C>G), located in coding exon 28 of the MYBPC3 gene, results from a C to G substitution at nucleotide position 2938. The arginine at codon 980 is replaced by glycine, an amino acid with dissimilar properties. This amino acid position is conserved. In addition, this alteration is predicted to be deleterious by in silico analysis. Since supporting evidence is limited at this time, the clinical significance of this alteration remains unclear.

CHEO Genetics Diagnostic Laboratory, Children's Hospital of Eastern Ontario
Classification: Uncertain significance for Cardiomyopathy. Last evaluated: 2019-12-18. Review status: criteria provided, single submitter. Criteria: ACMG Guidelines, 2015. Collection method: clinical testing. Allele origin: germline. Study: Canadian Open Genetics Repository.